The following is an entry in ClinVar:

ClinVar aggregate classification (germline): Uncertain significance (1 of 4 stars; one submission).

Allele frequency attached by ClinVar (database versions not stated): gnomAD exomes below 0.00001; gnomAD 0.00001; TOPMed 0.00001.
gnomAD v4.1: 3 of 1,612,848 alleles (0.00019%); highest among the groups gnomAD compares: African/African-American, 0.0013%; no homozygotes.

Submission:

Labcorp Genetics (formerly Invitae), Labcorp
Classification: Uncertain significance. Last evaluated: 2022-08-09. Review status: criteria provided, single submitter. Criteria: Invitae Variant Classification Sherloc (09022015). Collection method: clinical testing. Allele origin: germline.
Comment: In summary, the available evidence is currently insufficient to determine the role of this variant in disease. Therefore, it has been classified as a Variant of Uncertain Significance. Experimental studies and prediction algorithms are not available or were not evaluated, and the functional significance of this variant is currently unknown. ClinVar contains an entry for this variant (Variation ID: 1015834). This variant has not been reported in the literature in individuals affected with COL18A1-related conditions. This variant is not present in population databases (gnomAD no frequency). This sequence change replaces glycine, which is neutral and non-polar, with aspartic acid, which is acidic and polar, at codon 150 of the COL18A1 protein (p.Gly150Asp). The COL18A1 gene has multiple clinically relevant transcripts. This variant occurs in alternate transcript NM_030582.3, and corresponds to NM_130445.3:c.107-12263G>A in the primary transcript.

NM_001379500.1(COL18A1):c.107-12263G>A

Gene: COL18A1 (collagen type XVIII alpha 1 chain; plus strand). Cytogenetic location: 21q22.3.
Variant type: single nucleotide variant.
Coding change: c.107-12263G>A on transcript NM_001379500.1 (MANE Select); 12263 bases into the intron before coding-DNA position 107, G replaced by A.
Molecular consequence: intron variant. On other transcripts: missense variant (2).
Genome position (GRCh38, 1-based): chr21:45,455,979, G>A. VCF-style: chr21-45455979-G-A. GRCh37 (hg19) VCF-style: chr21-46875893-G-A.
Other names: c.449G>A, p.Gly150Asp (NM_030582.4, NM_130444.3); short protein forms G150D.
Identifiers: ClinVar variation 1015834 (VCV001015834.6), dbSNP rs2034789709, ClinGen allele CA410506145.